The following is an entry in ClinVar:

NM_015340.4(LARS2):c.2405-10G>A

Gene: LARS2 (leucyl-tRNA synthetase 2, mitochondrial; plus strand). Cytogenetic location: 3p21.31.
Variant type: single nucleotide variant.
Coding change: c.2405-10G>A on transcript NM_015340.4 (MANE Select); 10 bases into the intron before coding-DNA position 2405, G replaced by A.
Molecular consequence: intron variant.
Genome position (GRCh38, 1-based): chr3:45,541,819, G>A. VCF-style: chr3-45541819-G-A. GRCh37 (hg19) VCF-style: chr3-45583311-G-A.
Other names: c.2405-10G>A (NM_001368263.1).
Identifiers: ClinVar variation 2120283 (VCV002120283.4), dbSNP rs868584216, ClinGen allele CA73597740.

ClinVar aggregate classification (germline): Uncertain significance (1 of 4 stars; one submission).

Allele frequency attached by ClinVar (database versions not stated): gnomAD exomes 0.00001; TOPMed 0.00002.
gnomAD v4.1: 7 of 1,613,924 alleles (0.00043%); highest among the groups gnomAD compares: East Asian, 0.0022%; no homozygotes.

Submission:

Labcorp Genetics (formerly Invitae), Labcorp
Classification: Uncertain significance. Last evaluated: 2025-08-15. Review status: criteria provided, single submitter. Criteria: Invitae Variant Classification Sherloc (09022015). Collection method: clinical testing. Allele origin: germline.
Comment: This sequence change falls in intron 20 of the LARS2 gene. It does not directly change the encoded amino acid sequence of the LARS2 protein. This variant is not present in population databases (gnomAD no frequency). This variant has not been reported in the literature in individuals affected with LARS2-related conditions. ClinVar contains an entry for this variant (Variation ID: 2120283). Algorithms developed to predict the effect of sequence changes on RNA splicing suggest that this variant may disrupt the consensus splice site. In summary, the available evidence is currently insufficient to determine the role of this variant in disease. Therefore, it has been classified as a Variant of Uncertain Significance.